The following is an entry in ClinVar:

ClinVar aggregate classification (germline): Uncertain significance (1 of 4 stars; one submission).

Allele frequency attached by ClinVar (database versions not stated): gnomAD exomes 0.00001; TOPMed 0.00002; ExAC 0.00007.
gnomAD v4.1: 12 of 1,502,996 alleles (0.0008%); highest among the groups gnomAD compares: Admixed American, 0.019%; no homozygotes.

Submission:

Labcorp Genetics (formerly Invitae), Labcorp
Classification: Uncertain significance. Last evaluated: 2024-06-23. Review status: criteria provided, single submitter. Criteria: Invitae Variant Classification Sherloc (09022015). Collection method: clinical testing. Allele origin: germline.
Comment: This sequence change affects a donor splice site in intron 4 of the GFM2 gene. It is expected to disrupt RNA splicing. Variants that disrupt the donor or acceptor splice site typically lead to a loss of protein function (PMID: 16199547), however the current clinical and genetic evidence is not sufficient to establish whether loss-of-function variants in GFM2 cause disease. This variant is present in population databases (rs766819046, gnomAD 0.03%). This variant has not been reported in the literature in individuals affected with GFM2-related conditions. ClinVar contains an entry for this variant (Variation ID: 1921980). Algorithms developed to predict the effect of sequence changes on RNA splicing suggest that this variant may disrupt the consensus splice site. In summary, the available evidence is currently insufficient to determine the role of this variant in disease. Therefore, it has been classified as a Variant of Uncertain Significance.

Literature cited by the submitters: PubMed 16199547.

NM_032380.5(GFM2):c.206+1G>T

Gene: GFM2 (GTP dependent ribosome recycling factor mitochondrial 2; minus strand). Cytogenetic location: 5q13.3.
Variant type: single nucleotide variant.
Coding change: c.206+1G>T on transcript NM_032380.5 (MANE Select); the canonical splice donor site of the intron after coding-DNA position 206, G replaced by T.
Molecular consequence: splice donor variant.
Genome position (GRCh38, 1-based): chr5:74,759,368, C>A on the plus strand (G>T on the coding strand, the complement: GFM2 is on the minus strand). VCF-style: chr5-74759368-C-A. GRCh37 (hg19) VCF-style: chr5-74055193-C-A.
Other names: c.206+1G>T (NM_170691.3, NM_170681.3); c.302+1G>T (NM_001281302.2).
Identifiers: ClinVar variation 1921980 (VCV001921980.5), dbSNP rs766819046, ClinGen allele CA3306900.